The following is an entry in ClinVar:

ClinVar aggregate classification (germline): Uncertain significance (1 of 4 stars; one submission).

Conditions:
Kabuki syndrome. Also called: NIIKAWA-KUROKI SYNDROME; Kabuki make-up syndrome. Identifiers: Orphanet 2322, MedGen C0796004, MONDO:0016512.

Allele frequency attached by ClinVar (database versions not stated): TOPMed below 0.00001; gnomAD exomes 0.00001.

Submission:

Labcorp Genetics (formerly Invitae), Labcorp
Classification: Uncertain significance for Kabuki syndrome. Last evaluated: 2023-07-19. Review status: criteria provided, single submitter. Criteria: Invitae Variant Classification Sherloc (09022015). Collection method: clinical testing. Allele origin: germline.
Comment: ClinVar contains an entry for this variant (Variation ID: 1945586). Advanced modeling of protein sequence and biophysical properties (such as structural, functional, and spatial information, amino acid conservation, physicochemical variation, residue mobility, and thermodynamic stability) performed at Invitae indicates that this missense variant is not expected to disrupt KMT2D protein function. In summary, the available evidence is currently insufficient to determine the role of this variant in disease. Therefore, it has been classified as a Variant of Uncertain Significance. This sequence change replaces serine, which is neutral and polar, with asparagine, which is neutral and polar, at codon 2128 of the KMT2D protein (p.Ser2128Asn). This variant is not present in population databases (gnomAD no frequency). This variant has not been reported in the literature in individuals affected with KMT2D-related conditions.

NM_003482.4(KMT2D):c.6383G>A (p.Ser2128Asn)

Gene: KMT2D (lysine methyltransferase 2D; minus strand). Cytogenetic location: 12q13.12.
Variant type: single nucleotide variant.
Coding change: c.6383G>A on transcript NM_003482.4 (MANE Select); coding-DNA position 6383, G replaced by A.
Protein change: p.Ser2128Asn; replaces serine 2128 with asparagine.
Molecular consequence: missense variant.
Genome position (GRCh38, 1-based): chr12:49,041,387, C>T on the plus strand (G>A on the coding strand, the complement: KMT2D is on the minus strand). VCF-style: chr12-49041387-C-T. GRCh37 (hg19) VCF-style: chr12-49435170-C-T.
Other names: short protein forms S2128N.
Identifiers: ClinVar variation 1945586 (VCV001945586.5), dbSNP rs1485524861, ClinGen allele CA384751077.